The following is an entry in ClinVar:

ClinVar aggregate classification (germline): Uncertain significance (1 of 4 stars; one submission).

gnomAD v4.1: 1 of 1,613,826 alleles (0.000062%); highest among the groups gnomAD compares: East Asian, 0.0022%; no homozygotes.

Submission:

Labcorp Genetics (formerly Invitae), Labcorp
Classification: Uncertain significance. Last evaluated: 2024-11-02. Review status: criteria provided, single submitter. Criteria: Invitae Variant Classification Sherloc (09022015). Collection method: clinical testing. Allele origin: germline.
Comment: This sequence change replaces tyrosine, which is neutral and polar, with cysteine, which is neutral and slightly polar, at codon 570 of the ATR protein (p.Tyr570Cys). This variant is not present in population databases (gnomAD no frequency). This variant has not been reported in the literature in individuals affected with ATR-related conditions. An algorithm developed to predict the effect of missense changes on protein structure and function outputs the following: PolyPhen-2: "Benign". The cysteine amino acid residue is found in multiple mammalian species, which suggests that this missense change does not adversely affect protein function. In summary, the available evidence is currently insufficient to determine the role of this variant in disease. Therefore, it has been classified as a Variant of Uncertain Significance.

NM_001184.4(ATR):c.1709A>G (p.Tyr570Cys)

Gene: ATR (ATR checkpoint kinase; minus strand). Cytogenetic location: 3q23.
Variant type: single nucleotide variant.
Coding change: c.1709A>G on transcript NM_001184.4 (MANE Select); coding-DNA position 1709, A replaced by G.
Protein change: p.Tyr570Cys; replaces tyrosine 570 with cysteine.
Molecular consequence: missense variant.
Genome position (GRCh38, 1-based): chr3:142,559,274, T>C on the plus strand (A>G on the coding strand, the complement: ATR is on the minus strand). VCF-style: chr3-142559274-T-C. GRCh37 (hg19) VCF-style: chr3-142278116-T-C.
Other names: c.1517A>G, p.Tyr506Cys (NM_001354579.2); short protein forms Y506C, Y570C.
Identifiers: ClinVar variation 3693907 (VCV003693907.2).